The following is an entry in ClinVar:

NM_018122.5(DARS2):c.*642C>A

Gene: DARS2 (aspartyl-tRNA synthetase 2, mitochondrial; plus strand). Cytogenetic location: 1q25.1.
Variant type: single nucleotide variant.
Coding change: c.*642C>A on transcript NM_018122.5 (MANE Select); 642 bases downstream of the stop codon, C replaced by A.
Molecular consequence: 3 prime UTR variant.
Genome position (GRCh38, 1-based): chr1:173,858,347, C>A. VCF-style: chr1-173858347-C-A. GRCh37 (hg19) VCF-style: chr1-173827485-C-A.
Other names: c.*642C>A (NM_001365212.1).
Identifiers: ClinVar variation 293834 (VCV000293834.5), dbSNP rs140743566, ClinGen allele CA10608813.

ClinVar aggregate classification (germline): Likely benign (1 of 4 stars; one submission).

Conditions:
Leukoencephalopathy with brain stem and spinal cord involvement-high lactate syndrome (LBSL). Also called: LEUKOENCEPHALOPATHY WITH BRAINSTEM AND SPINAL CORD INVOLVEMENT AND LACTATE ELEVATION, MILD; MITOCHONDRIAL ASPARTYL-tRNA SYNTHETASE DEFICIENCY; Leukoencephalopathy with Brainstem and Spinal Cord Involvement and Lactate Elevation. Identifiers: Orphanet 137898, MedGen C1970180, MONDO:0012622, OMIM 611105.

Allele frequency attached by ClinVar (database versions not stated): gnomAD exomes 0.00314; gnomAD 0.00370 and 0.00393; TOPMed 0.00654; 1000 Genomes Project 30x 0.00937; 1000 Genomes Project 0.00938.
gnomAD v4.1: 596 of 153,854 alleles (0.39%); highest among the groups gnomAD compares: Admixed American, 3.2%; 15 homozygotes.

Submission:

Illumina Laboratory Services, Illumina
Classification: Likely benign for Leukoencephalopathy with brain stem and spinal cord involvement-high lactate syndrome. Last evaluated: 2017-04-27. Review status: criteria provided, single submitter. Criteria: ICSL Variant Classification Criteria 13 December 2019. Collection method: clinical testing. Allele origin: germline.
Comment: This variant was observed as part of a predisposition screen in an ostensibly healthy population. A literature search was performed for the gene, cDNA change, and amino acid change (where applicable). No publications were found based on this search. Allele frequency data from public databases allowed determination this variant is unlikely to cause disease. Therefore, this variant is classified as likely benign.